The following is an entry in ClinVar:

ClinVar aggregate classification (germline): Uncertain significance (1 of 4 stars; one submission).

Conditions:
Gnathodiaphyseal dysplasia (GDD). Also called: GNATHODIAPHYSEAL SCLEROSIS; OSTEOGENESIS IMPERFECTA WITH UNUSUAL SKELETAL LESIONS. Identifiers: Orphanet 53697, MedGen C1833736, MONDO:0008151, OMIM 166260.
Autosomal recessive limb-girdle muscular dystrophy type 2L (LGMDR12). Also called: Limb-girdle muscular dystrophy, type 2L; MUSCULAR DYSTROPHY, LIMB-GIRDLE, AUTOSOMAL RECESSIVE 12; Limb-Girdle Muscular Dystrophy R12 Anoctamin-5-Related (LGMD-R12). Identifiers: Orphanet 206549, MedGen C1969785, MONDO:0012652, OMIM 611307.

Allele frequency attached by ClinVar (database versions not stated): TOPMed below 0.00001.

Submission:

Labcorp Genetics (formerly Invitae), Labcorp
Classification: Uncertain significance for Autosomal recessive limb-girdle muscular dystrophy type 2L; Gnathodiaphyseal dysplasia. Last evaluated: 2023-06-13. Review status: criteria provided, single submitter. Criteria: Invitae Variant Classification Sherloc (09022015). Collection method: clinical testing. Allele origin: germline.
Comment: This sequence change replaces aspartic acid, which is acidic and polar, with histidine, which is basic and polar, at codon 203 of the ANO5 protein (p.Asp203His). In summary, the available evidence is currently insufficient to determine the role of this variant in disease. Therefore, it has been classified as a Variant of Uncertain Significance. Advanced modeling of protein sequence and biophysical properties (such as structural, functional, and spatial information, amino acid conservation, physicochemical variation, residue mobility, and thermodynamic stability) has been performed at Invitae for this missense variant, however the output from this modeling did not meet the statistical confidence thresholds required to predict the impact of this variant on ANO5 protein function. ClinVar contains an entry for this variant (Variation ID: 1468111). This variant has not been reported in the literature in individuals affected with ANO5-related conditions. This variant is not present in population databases (gnomAD no frequency).

NM_213599.3(ANO5):c.607G>C (p.Asp203His)

Gene: ANO5 (anoctamin 5; plus strand). Cytogenetic location: 11p14.3.
Variant type: single nucleotide variant.
Coding change: c.607G>C on transcript NM_213599.3 (MANE Select); coding-DNA position 607, G replaced by C.
Protein change: p.Asp203His; replaces aspartic acid 203 with histidine.
Molecular consequence: missense variant.
Genome position (GRCh38, 1-based): chr11:22,227,545, G>C. VCF-style: chr11-22227545-G-C. GRCh37 (hg19) VCF-style: chr11-22249091-G-C.
Other names: c.604G>C, p.Asp202His (NM_001142649.2); short protein forms D203H, D202H.
Identifiers: ClinVar variation 1468111 (VCV001468111.8), dbSNP rs750779803, ClinGen allele CA379920012.